The following is an entry in ClinVar:

NM_001734.5(C1S):c.2033C>T (p.Thr678Ile)

Gene: C1S (complement C1s; plus strand). Cytogenetic location: 12p13.31.
Variant type: single nucleotide variant.
Coding change: c.2033C>T on transcript NM_001734.5 (MANE Select); coding-DNA position 2033, C replaced by T.
Protein change: p.Thr678Ile; replaces threonine 678 with isoleucine.
Molecular consequence: missense variant.
Genome position (GRCh38, 1-based): chr12:7,070,617, C>T. VCF-style: chr12-7070617-C-T. GRCh37 (hg19) VCF-style: chr12-7177921-C-T.
Other names: p.Thr678Ile; c.1532C>T, p.Thr511Ile (NM_001346850.2); c.2033C>T, p.Thr678Ile (NM_201442.4); short protein forms T511I, T678I.
Identifiers: ClinVar variation 1379271 (VCV001379271.9), dbSNP rs1555163132, ClinGen allele CA383709215.
Genomic context (GRCh38, chr12:7,070,617, plus strand): 5'-AGTGTGGGACCTATGGGCTCTACACACGGGTAAAGAACTATGTTGACTGGATAATGAAGA[C>T]TATGCAGGAAAATAGCACCCCCCGTGAGGACTAATCCAGATACATCCCACCAGCCTCTCC-3'
Protein context (NP_001725.1, residues 668-688): VKNYVDWIMK[Thr678Ile]MQENSTPRED

ClinVar aggregate classification (germline): Uncertain significance. Review status: criteria provided, multiple submitters, no conflicts (2 of 4 stars). 2 submissions from 2 submitters: Uncertain significance (2). Last evaluated 2024-06-13.

Allele frequency attached by ClinVar (database versions not stated): gnomAD exomes below 0.00001.
gnomAD v4.1: 4 of 1,614,138 alleles (0.00025%); highest among the groups gnomAD compares: South Asian, 0.0022%; no homozygotes.

Submissions (2):

Mayo Clinic Laboratories, Mayo Clinic
Classification: Uncertain significance. Last evaluated: 2024-06-13. Review status: criteria provided, single submitter. Criteria: ACMG Guidelines, 2015. Collection method: clinical testing. Allele origin: germline. Observed: 1 variant allele.

Labcorp Genetics (formerly Invitae), Labcorp
Classification: Uncertain significance. Last evaluated: 2021-03-16. Review status: criteria provided, single submitter. Criteria: Invitae Variant Classification Sherloc (09022015). Collection method: clinical testing. Allele origin: germline.
Comment: This sequence change replaces threonine with isoleucine at codon 678 of the C1S protein (p.Thr678Ile). The threonine residue is highly conserved and there is a moderate physicochemical difference between threonine and isoleucine. This variant is not present in population databases (ExAC no frequency). This variant has not been reported in the literature in individuals with C1S-related conditions. Algorithms developed to predict the effect of missense changes on protein structure and function are either unavailable or do not agree on the potential impact of this missense change (SIFT: "Deleterious"; PolyPhen-2: "Benign"; Align-GVGD: "Class C15"). In summary, the available evidence is currently insufficient to determine the role of this variant in disease. Therefore, it has been classified as a Variant of Uncertain Significance.